The following is an entry in ClinVar:

NM_000163.5(GHR):c.239G>T (p.Gly80Val)

Gene: GHR (growth hormone receptor; plus strand). Cytogenetic location: 5p12.
Variant type: single nucleotide variant.
Coding change: c.239G>T on transcript NM_000163.5 (MANE Select); coding-DNA position 239, G replaced by T.
Protein change: p.Gly80Val; replaces glycine 80 with valine.
Molecular consequence: missense variant.
Genome position (GRCh38, 1-based): chr5:42,688,992, G>T. VCF-style: chr5-42688992-G-T. GRCh37 (hg19) VCF-style: chr5-42689094-G-T.
Other names: c.260G>T, p.Gly87Val (NM_001242399.2); c.239G>T, p.Gly80Val (NM_001242400.2, NM_001242401.4, NM_001242402.2 and 5 more transcripts); c.173G>T, p.Gly58Val (NM_001242460.2); short protein forms G80V, G58V, G87V.
Identifiers: ClinVar variation 449369 (VCV000449369.15), dbSNP rs114025919, ClinGen allele CA3254355.

ClinVar aggregate classification (germline): Conflicting classifications of pathogenicity. Review status: criteria provided, conflicting classifications (1 of 4 stars). 4 submissions from 4 submitters: Uncertain significance (2); Likely benign (2). Last evaluated 2026-01-26.

Conditions:
GHR-related disorder. Also called: GHR-related condition.

Allele frequency attached by ClinVar (database versions not stated): TOPMed 0.00127; ESP Exome Variant Server 0.00131; gnomAD exomes 0.00030; ExAC 0.00038; 1000 Genomes Project 30x 0.00062; 1000 Genomes Project 0.00080; gnomAD 0.00101 and 0.00111.
gnomAD v4.1: 324 of 1,613,766 alleles (0.02%); highest among the groups gnomAD compares: African/African-American, 0.34%; 2 homozygotes.

Submissions (4):

Labcorp Genetics (formerly Invitae), Labcorp
Classification: Likely benign. Last evaluated: 2026-01-26. Review status: criteria provided, single submitter. Criteria: Invitae Variant Classification Sherloc (09022015). Collection method: clinical testing. Allele origin: germline.

PreventionGenetics, part of Exact Sciences
Classification: Likely benign for GHR-related condition. Last evaluated: 2025-07-29. Review status: criteria provided, single submitter. Criteria: ACMG Guidelines, 2015. Collection method: clinical testing. Allele origin: germline.
Comment: This variant is classified as likely benign based on ACMG/AMP sequence variant interpretation guidelines (Richards et al. 2015 PMID: 25741868, with internal and published modifications).

Revvity Omics, Revvity
Classification: Uncertain significance. Last evaluated: 2023-07-06. Review status: criteria provided, single submitter. Criteria: ACMG Guidelines, 2015. Collection method: clinical testing. Allele origin: germline.

GeneDx
Classification: Uncertain significance. Last evaluated: 2017-08-03. Review status: criteria provided, single submitter. Criteria: GeneDx Variant Classification (06012015). Collection method: clinical testing. Allele origin: germline. Affected: yes.
Comment: The G80V variant in the GHR gene has been reported previously using alternate nomenclature G62V in an individual with idiopathic short stature and no second GHR variant identified; however, it is unknown whether this individual was screened for variants in other genes associated with short stature (El Kholy et al., 2011). The G80V variant is observed in 41/10406 (0.39%) alleles from individuals of African background, in the ExAC dataset (Lek et al., 2016). The G80V variant is a conservative amino acid substitution, which is not likely to impact secondary protein structure as these residues share similar properties. This substitution occurs at a position that is not conserved. In silico analysis predicts this variant is probably damaging to the protein structure/function. We interpret G80V as a variant of uncertain significance.